The following is an entry in ClinVar:

NM_006030.4(CACNA2D2):c.2207G>A (p.Arg736His)

Genes: CACNA2D2 (calcium voltage-gated channel auxiliary subunit alpha2delta 2; minus strand), LOC101928965 (uncharacterized LOC101928965; plus strand), LOC127898564 (CYB561D2-LOC101928965; plus strand). Cytogenetic location: 3p21.31.
Variant type: single nucleotide variant.
Coding change: c.2207G>A on transcript NM_006030.4 (MANE Select); coding-DNA position 2207, G replaced by A.
Protein change: p.Arg736His; replaces arginine 736 with histidine.
Molecular consequence: missense variant. On other transcripts: non-coding transcript variant (3).
Genome position (GRCh38, 1-based): chr3:50,367,839, C>T on the plus strand (G>A on the coding strand, the complement: CACNA2D2 is on the minus strand). VCF-style: chr3-50367839-C-T. GRCh37 (hg19) VCF-style: chr3-50405270-C-T.
Other names: c.2228G>A (NM_001174051.1); c.2207G>A, p.Arg736His (NM_001005505.3); c.2228G>A, p.Arg743His (NM_001174051.3); c.2000G>A, p.Arg667His (NM_001291101.1); short protein forms R667H, R743H, R736H.
Identifiers: ClinVar variation 962762 (VCV000962762.6), dbSNP rs768385122, ClinGen allele CA2418564.

ClinVar aggregate classification (germline): Uncertain significance. Review status: criteria provided, multiple submitters, no conflicts (2 of 4 stars). 2 submissions from 2 submitters: Uncertain significance (2). Last evaluated 2025-11-13.

Conditions:
Inborn genetic diseases. Identifiers: MedGen C0950123, MeSH D030342.
Developmental and epileptic encephalopathy. Identifiers: MedGen C5779964, MONDO:0100620.

Allele frequency attached by ClinVar (database versions not stated): TOPMed 0.00002; ExAC 0.00002; gnomAD 0.00003; gnomAD exomes 0.00004.
gnomAD v4.1: 33 of 1,612,128 alleles (0.002%); highest among the groups gnomAD compares: Middle Eastern, 0.016%; no homozygotes.

Submissions (2):

Ambry Genetics
Classification: Uncertain significance for Inborn genetic diseases. Last evaluated: 2025-11-13. Review status: criteria provided, single submitter. Criteria: Ambry Variant Classification Scheme 2023. Collection method: clinical testing. Allele origin: germline.

Labcorp Genetics (formerly Invitae), Labcorp
Classification: Uncertain significance for Early-infantile DEE. Last evaluated: 2022-04-22. Review status: criteria provided, single submitter. Criteria: Invitae Variant Classification Sherloc (09022015). Collection method: clinical testing. Allele origin: germline.
Comment: This sequence change replaces arginine, which is basic and polar, with histidine, which is basic and polar, at codon 736 of the CACNA2D2 protein (p.Arg736His). This variant is present in population databases (rs768385122, gnomAD 0.03%). This variant has not been reported in the literature in individuals affected with CACNA2D2-related conditions. ClinVar contains an entry for this variant (Variation ID: 962762). Algorithms developed to predict the effect of missense changes on protein structure and function are either unavailable or do not agree on the potential impact of this missense change (SIFT: "Deleterious"; PolyPhen-2: "Possibly Damaging"; Align-GVGD: "Class C0"). In summary, the available evidence is currently insufficient to determine the role of this variant in disease. Therefore, it has been classified as a Variant of Uncertain Significance.